The following is an entry in ClinVar:

ClinVar aggregate classification (germline): Conflicting classifications of pathogenicity. Review status: criteria provided, conflicting classifications (1 of 4 stars). 2 submissions from 2 submitters: Uncertain significance (1); Benign (1). Last evaluated 2023-12-18.

Allele frequency attached by ClinVar (database versions not stated): gnomAD exomes below 0.00001; ExAC 0.00001; gnomAD 0.00001; TOPMed 0.00001.
gnomAD v4.1: 7 of 1,614,168 alleles (0.00043%); highest among the groups gnomAD compares: African/African-American, 0.0067%; no homozygotes.

Submissions (2):

GeneDx
Classification: Uncertain significance. Last evaluated: 2023-12-18. Review status: criteria provided, single submitter. Criteria: GeneDx Variant Classification Process June 2021. Collection method: clinical testing. Allele origin: germline. Affected: yes.
Comment: In silico analysis supports that this missense variant does not alter protein structure/function; Has not been previously published as pathogenic or benign to our knowledge

Labcorp Genetics (formerly Invitae), Labcorp
Classification: Benign. Last evaluated: 2023-08-04. Review status: criteria provided, single submitter. Criteria: Invitae Variant Classification Sherloc (09022015). Collection method: clinical testing. Allele origin: germline.

NM_001844.5(COL2A1):c.4115A>G (p.Asn1372Ser)

Gene: COL2A1 (collagen type II alpha 1 chain; minus strand). Cytogenetic location: 12q13.11.
Variant type: single nucleotide variant.
Coding change: c.4115A>G on transcript NM_001844.5 (MANE Select); coding-DNA position 4115, A replaced by G.
Protein change: p.Asn1372Ser; replaces asparagine 1372 with serine.
Molecular consequence: missense variant.
Genome position (GRCh38, 1-based): chr12:47,974,291, T>C on the plus strand (A>G on the coding strand, the complement: COL2A1 is on the minus strand). VCF-style: chr12-47974291-T-C. GRCh37 (hg19) VCF-style: chr12-48368074-T-C.
Other names: c.4115A>G (NM_001844.4); c.3908A>G, p.Asn1303Ser (NM_033150.3); short protein forms N1303S, N1372S.
Identifiers: ClinVar variation 1386196 (VCV001386196.7), dbSNP rs771399441, ClinGen allele CA6534533.